The following is an entry in ClinVar:

ClinVar aggregate classification (germline): Benign (0 of 4 stars; one submission).

Conditions:
MYOM2-related disorder. Also called: MYOM2-related condition.

Allele frequency attached by ClinVar (database versions not stated): ExAC 0.00278; gnomAD 0.00843; ESP Exome Variant Server 0.00961; TOPMed 0.00975; 1000 Genomes Project 0.01058; 1000 Genomes Project 30x 0.01218.
gnomAD v4.1: 2,469 of 1,613,946 alleles (0.15%); highest among the groups gnomAD compares: African/African-American, 2.9%; 41 homozygotes.

Submission:

PreventionGenetics, part of Exact Sciences
Classification: Benign for MYOM2-related condition. Last evaluated: 2019-02-20. Review status: no assertion criteria provided. Collection method: clinical testing. Allele origin: germline.
Comment: This variant is classified as benign based on ACMG/AMP sequence variant interpretation guidelines (Richards et al. 2015 PMID: 25741868, with internal and published modifications).

NM_003970.4(MYOM2):c.3837C>T (p.Ile1279=)

Gene: MYOM2 (myomesin 2; plus strand). Cytogenetic location: 8p23.3.
Variant type: single nucleotide variant.
Coding change: c.3837C>T on transcript NM_003970.4 (MANE Select); coding-DNA position 3837, C replaced by T.
Protein change: p.Ile1279=; no amino-acid change (isoleucine 1279 retained).
Molecular consequence: synonymous variant.
Genome position (GRCh38, 1-based): chr8:2,140,759, C>T. VCF-style: chr8-2140759-C-T. GRCh37 (hg19) VCF-style: chr8-2088682-C-T.
Identifiers: ClinVar variation 3041770 (VCV003041770.2), dbSNP rs34620424, ClinGen allele CA170466405.